The following is an entry in ClinVar:

NM_006421.5(ARFGEF1):c.5054G>A (p.Cys1685Tyr)

Gene: ARFGEF1 (ARF guanine nucleotide exchange factor 1; minus strand). Cytogenetic location: 8q13.2.
Variant type: single nucleotide variant.
Coding change: c.5054G>A on transcript NM_006421.5 (MANE Select); coding-DNA position 5054, G replaced by A.
Protein change: p.Cys1685Tyr; replaces cysteine 1685 with tyrosine.
Molecular consequence: missense variant. On other transcripts: non-coding transcript variant (1).
Genome position (GRCh38, 1-based): chr8:67,203,157, C>T on the plus strand (G>A on the coding strand, the complement: ARFGEF1 is on the minus strand). VCF-style: chr8-67203157-C-T. GRCh37 (hg19) VCF-style: chr8-68115392-C-T.
Other names: c.5048G>A, p.Cys1683Tyr (NM_001413190.1); c.4958G>A, p.Cys1653Tyr (NM_001413191.1); c.4940G>A, p.Cys1647Tyr (NM_001413192.1); c.4436G>A, p.Cys1479Tyr (NM_001413193.1); c.5054G>A, p.Cys1685Tyr (NM_001413194.1, NM_001413184.1, NM_001413187.1); c.5036G>A, p.Cys1679Tyr (NM_001413185.1, NM_001413186.1, NM_001413189.1); c.4454G>A, p.Cys1485Tyr (NM_001413188.1, NM_001413197.1); c.3629G>A, p.Cys1210Tyr (NM_001413196.1); short protein forms C1210Y, C1479Y, C1485Y, C1647Y, C1653Y, C1679Y, C1683Y, C1685Y.
Identifiers: ClinVar variation 5017762 (VCV005017762.1).
Genomic context (GRCh38, chr8:67,203,157, plus strand): 5'-GCAGTCCTCTGTTCGTTGTTGGAATTAAACGCTTTTGCAAATCTATGTGACTCTAATAAG[C>T]AGTCCAGTAGCTTAAAAAGTTGTTGTGATGTTAAAAAGCGGTACATTCCTTGGTCTTGAG-3'
Protein context (NP_006412.2, residues 1675-1695): TSQQLFKLLD[Cys1685Tyr]LLESHRFAKA

ClinVar aggregate classification (germline): Uncertain significance (1 of 4 stars; one submission).

gnomAD v4.1: 1 of 1,614,208 alleles (0.000062%); highest among the groups gnomAD compares: Non-Finnish European, 0.000085%; no homozygotes.

Submission:

GeneDx
Classification: Uncertain significance. Last evaluated: 2026-03-27. Review status: criteria provided, single submitter. Criteria: GeneDx Variant Classification Process June 2021. Collection method: clinical testing. Allele origin: germline.
Comment: Not observed at significant frequency in large population cohorts (gnomAD); In silico analysis supports that this missense variant has a deleterious effect on protein structure/function; Has not been previously published as pathogenic or benign to our knowledge